The following is an entry in ClinVar:

NM_000051.4(ATM):c.5909A>T (p.Gln1970Leu)

Genes: ATM (ATM serine/threonine kinase; plus strand), C11orf65 (chromosome 11 open reading frame 65; minus strand). Cytogenetic location: 11q22.3.
Variant type: single nucleotide variant.
Coding change: c.5909A>T on transcript NM_000051.4 (MANE Select); coding-DNA position 5909, A replaced by T.
Protein change: p.Gln1970Leu; replaces glutamine 1970 with leucine.
Molecular consequence: missense variant. On other transcripts: intron variant (2).
Genome position (GRCh38, 1-based): chr11:108,310,306, A>T. VCF-style: chr11-108310306-A-T. GRCh37 (hg19) VCF-style: chr11-108181033-A-T.
Other names: c.*39-1235T>A (NM_001351110.2); c.5909A>T, p.Gln1970Leu (NM_001351834.2); c.641-1235T>A (NM_001330368.2); short protein forms Q1970L.
Identifiers: ClinVar variation 3222031 (VCV003222031.3), dbSNP rs1555110568, ClinGen allele CA382548593.

ClinVar aggregate classification (germline): Uncertain significance. Review status: criteria provided, multiple submitters, no conflicts (2 of 4 stars). 2 submissions from 2 submitters: Uncertain significance (2). Last evaluated 2025-12-16.

Conditions:
Ataxia-telangiectasia syndrome (AT). Also called: AT, COMPLEMENTATION GROUP C; Ataxia-telangiectasia, complementation group D; ATAXIA-TELANGIECTASIA, COMPLEMENTATION GROUP A; ATAXIA-TELANGIECTASIA, FRESNO VARIANT; Ataxia-telangiectasia; Ataxia-telangiectasia, complementation group E. Identifiers: Orphanet 100, MedGen C0004135, MONDO:0008840, OMIM 208900.
Familial cancer of breast. Also called: hereditary breast carcinoma; BREAST CANCER, FAMILIAL; Hereditary breast cancer. Identifiers: Orphanet 227535, MedGen C0346153, MONDO:0016419, OMIM 114480. Disease mechanism: loss of function.
Hereditary cancer-predisposing syndrome. Also called: Tumor predisposition; Hereditary Cancer Syndrome; Hereditary neoplastic syndrome; Neoplastic Syndromes, Hereditary. Identifiers: Orphanet 140162, MedGen C0027672, MeSH D009386, MONDO:0015356.

Submissions (2):

Ambry Genetics
Classification: Uncertain significance for Hereditary cancer-predisposing syndrome. Last evaluated: 2025-12-16. Review status: criteria provided, single submitter. Criteria: Ambry Variant Classification Scheme 2023. Collection method: clinical testing. Allele origin: germline.
Comment: The p.Q1970L variant (also known as c.5909A>T), located in coding exon 38 of the ATM gene, results from an A to T substitution at nucleotide position 5909. The glutamine at codon 1970 is replaced by leucine, an amino acid with dissimilar properties. This amino acid position is highly conserved in available vertebrate species. In addition, this alteration is predicted to be tolerated by in silico analysis. Since supporting evidence is limited at this time, the clinical significance of this alteration remains unclear.

Fulgent Genetics
Classification: Uncertain significance for Familial cancer of breast; Ataxia-telangiectasia syndrome. Last evaluated: 2024-01-16. Review status: criteria provided, single submitter. Criteria: ACMG Guidelines, 2015. Collection method: clinical testing. Allele origin: germline.